The following is an entry in ClinVar:

ClinVar aggregate classification (germline): Uncertain significance. Review status: criteria provided, multiple submitters, no conflicts (2 of 4 stars). 2 submissions from 2 submitters: Uncertain significance (2). Last evaluated 2025-08-10.

Conditions:
Inborn genetic diseases. Identifiers: MedGen C0950123, MeSH D030342.
Hyperammonemic encephalopathy due to carbonic anhydrase VA deficiency. Also called: Carbonic Anhydrase VA Deficiency; Carbonic anhydrase VA deficiency, hyperammonemia due to. Identifiers: Orphanet 401948, MedGen C4706871, MONDO:0014332, OMIM 615751.

Allele frequency attached by ClinVar (database versions not stated): gnomAD 0.00001; TOPMed 0.00001.
gnomAD v4.1: 15 of 1,612,172 alleles (0.00093%); highest among the groups gnomAD compares: African/African-American, 0.0013%; no homozygotes.

Submissions (2):

Ambry Genetics
Classification: Uncertain significance for Inborn genetic diseases. Last evaluated: 2025-08-10. Review status: criteria provided, single submitter. Criteria: Ambry Variant Classification Scheme 2023. Collection method: clinical testing. Allele origin: germline.

Labcorp Genetics (formerly Invitae), Labcorp
Classification: Uncertain significance for Hyperammonemic encephalopathy due to carbonic anhydrase VA deficiency. Last evaluated: 2020-08-11. Review status: criteria provided, single submitter. Criteria: Invitae Variant Classification Sherloc (09022015). Collection method: clinical testing. Allele origin: germline.
Comment: This sequence change replaces histidine with aspartic acid at codon 143 of the CA5A protein (p.His143Asp). The histidine residue is highly conserved and there is a moderate physicochemical difference between histidine and aspartic acid. In summary, the available evidence is currently insufficient to determine the role of this variant in disease. Therefore, it has been classified as a Variant of Uncertain Significance. Algorithms developed to predict the effect of missense changes on protein structure and function (SIFT, PolyPhen-2, Align-GVGD) all suggest that this variant is likely to be disruptive, but these predictions have not been confirmed by published functional studies and their clinical significance is uncertain. This variant has not been reported in the literature in individuals with CA5A-related conditions. This variant is not present in population databases (ExAC no frequency).

NM_001739.2(CA5A):c.427C>G (p.His143Asp)

Gene: CA5A (carbonic anhydrase 5A; minus strand). Cytogenetic location: 16q24.2.
Variant type: single nucleotide variant.
Coding change: c.427C>G on transcript NM_001739.2 (MANE Select); coding-DNA position 427, C replaced by G.
Protein change: p.His143Asp; replaces histidine 143 with aspartic acid.
Molecular consequence: missense variant. On other transcripts: non-coding transcript variant (1).
Genome position (GRCh38, 1-based): chr16:87,904,818, G>C on the plus strand (C>G on the coding strand, the complement: CA5A is on the minus strand). VCF-style: chr16-87904818-G-C. GRCh37 (hg19) VCF-style: chr16-87938424-G-C.
Other names: c.427C>G (NM_001739.1); c.427C>G, p.His143Asp (NM_001367225.1); short protein forms H143D.
Identifiers: ClinVar variation 1040930 (VCV001040930.10), dbSNP rs1407821429, ClinGen allele CA397042350.